The following is an entry in ClinVar:

NM_017514.5(PLXNA3):c.2855G>A (p.Arg952Gln)

Gene: PLXNA3 (plexin A3; plus strand). Cytogenetic location: Xq28.
Variant type: single nucleotide variant.
Coding change: c.2855G>A on transcript NM_017514.5 (MANE Select); coding-DNA position 2855, G replaced by A.
Protein change: p.Arg952Gln; replaces arginine 952 with glutamine.
Molecular consequence: missense variant.
Genome position (GRCh38, 1-based): chrX:154,466,431, G>A. VCF-style: chrX-154466431-G-A. GRCh37 (hg19) VCF-style: chrX-153694774-G-A.
Other names: short protein forms R952Q.
Identifiers: ClinVar variation 3215560 (VCV003215560.2), dbSNP rs1557207155, ClinGen allele CA415242225.

ClinVar aggregate classification (germline): Uncertain significance. Review status: criteria provided, single submitter (1 of 4 stars). 2 submissions from 2 submitters: Uncertain significance (1). 1 of the submissions does not count toward it. Last evaluated 2023-12-15.

Conditions:
PLXNA3-related disorder. Also called: PLXNA3-related condition.

Allele frequency attached by ClinVar (database versions not stated): gnomAD 0.00001; TOPMed 0.00001; gnomAD exomes 0.00003.
gnomAD v4.1: 33 of 1,209,957 alleles (0.0027%); highest among the groups gnomAD compares: South Asian, 0.0053%; no homozygotes.

Submissions (2):

Ambry Genetics
Classification: Uncertain significance. Last evaluated: 2023-12-15. Review status: criteria provided, single submitter. Criteria: Ambry Variant Classification Scheme 2023. Collection method: clinical testing. Allele origin: germline.

PreventionGenetics, part of Exact Sciences
Classification: Uncertain significance for PLXNA3-related condition. Last evaluated: 2024-03-06. Review status: no assertion criteria provided. Collection method: clinical testing. Allele origin: germline. Not counted in ClinVar's aggregate classification.
Comment: The PLXNA3 c.2855G>A variant is predicted to result in the amino acid substitution p.Arg952Gln. To our knowledge, this variant has not been reported in the literature. This variant is reported in 0.0053% of alleles in individuals of South Asian descent in gnomAD. At this time, the clinical significance of this variant is uncertain due to the absence of conclusive functional and genetic evidence.